The following is an entry in ClinVar:

NM_000552.5(VWF):c.7814G>A (p.Cys2605Tyr)

Gene: VWF (von Willebrand factor; minus strand). Cytogenetic location: 12p13.31.
Variant type: single nucleotide variant.
Coding change: c.7814G>A on transcript NM_000552.5 (MANE Select); coding-DNA position 7814, G replaced by A.
Protein change: p.Cys2605Tyr; replaces cysteine 2605 with tyrosine.
Molecular consequence: missense variant.
Genome position (GRCh38, 1-based): chr12:5,967,559, C>T on the plus strand (G>A on the coding strand, the complement: VWF is on the minus strand). VCF-style: chr12-5967559-C-T. GRCh37 (hg19) VCF-style: chr12-6076725-C-T.
Other names: short protein forms C2605Y.
Identifiers: ClinVar variation 4533022 (VCV004533022.1).

ClinVar aggregate classification (germline): Uncertain significance (1 of 4 stars; one submission).

Submission:

Quest Diagnostics Nichols Institute San Juan Capistrano
Classification: Uncertain significance. Last evaluated: 2025-09-03. Review status: criteria provided, single submitter. Criteria: Quest Diagnostics criteria. Collection method: clinical testing. Allele origin: unknown.
Comment: The VWF c.7814G>A (p.Cys2605Tyr) variant has not been reported in individuals with VWF-related conditions in the published literature. This variant also has not been reported in large, multi-ethnic general populations (Genome Aggregation Database). Analysis of this variant using bioinformatics tools for the prediction of the effect of amino acid changes on protein structure and function yielded predictions that this variant is damaging. Based on the available information, we are unable to determine the clinical significance of this variant.